The following is an entry in ClinVar:

NM_002769.5(PRSS1):c.454G>A (p.Ala152Thr)

Genes: PRSS1 (serine protease 1; plus strand), TRB (T cell receptor beta locus; plus strand). Cytogenetic location: 7q34.
Variant type: single nucleotide variant.
Coding change: c.454G>A on transcript NM_002769.5 (MANE Select); coding-DNA position 454, G replaced by A.
Protein change: p.Ala152Thr; replaces alanine 152 with threonine.
Molecular consequence: missense variant.
Genome position (GRCh38, 1-based): chr7:142,752,027, G>A. VCF-style: chr7-142752027-G-A. GRCh37 (hg19) VCF-style: chr7-142459878-G-A.
Other names: short protein forms A152T.
Identifiers: ClinVar variation 824993 (VCV000824993.13), dbSNP rs766731858, ClinGen allele CA4529976.
Genomic context (GRCh38, chr7:142,752,027, plus strand): 5'-CCTCCAGCCACTGGCACGAAGTGCCTCATCTCTGGCTGGGGCAACACTGCGAGCTCTGGC[G>A]GTGAGTGGGACCCTTAGTCCTTCTACTTCCCTCCATCCTCACAATTTCCAGAACAAACCA-3'
Protein context (NP_002760.1, residues 142-162): SGWGNTASSG[Ala152Thr]DYPDELQCLD

ClinVar aggregate classification (germline): Uncertain significance. Review status: criteria provided, multiple submitters, no conflicts (2 of 4 stars). 2 submissions from 2 submitters: Uncertain significance (2). Last evaluated 2026-03-02.

Conditions:
Hereditary pancreatitis (PCTT). Also called: Hereditary chronic pancreatitis; PRSS1-Related Hereditary Pancreatitis. Identifiers: Orphanet 676, MedGen C0238339, MONDO:0008185, OMIM 167800.

Allele frequency attached by ClinVar (database versions not stated): ExAC 0.00002; gnomAD 0.00002; gnomAD exomes 0.00002 and 0.00003; TOPMed 0.00003.

Submissions (2):

Ambry Genetics
Classification: Uncertain significance for Hereditary pancreatitis. Last evaluated: 2026-03-02. Review status: criteria provided, single submitter. Criteria: Ambry Variant Classification Scheme 2023. Collection method: clinical testing. Allele origin: germline.
Comment: The p.A152T variant (also known as c.454G>A), located in coding exon 3 of the PRSS1 gene, results from a G to A substitution at nucleotide position 454. The alanine at codon 152 is replaced by threonine, an amino acid with similar properties. However, this change occurs in the last base pair of coding exon 3, which makes it likely to have some effect on normal mRNA splicing. This nucleotide position is poorly conserved in available vertebrate species. In silico splice site analysis predicts that this alteration will not have any significant effect on splicing. This amino acid position is poorly conserved in available vertebrate species. In addition, as a missense substitution this is predicted to be tolerated by in silico analysis. Based on the available evidence, the clinical significance of this variant remains unclear.

Labcorp Genetics (formerly Invitae), Labcorp
Classification: Uncertain significance for Hereditary pancreatitis. Last evaluated: 2023-03-22. Review status: criteria provided, single submitter. Criteria: Invitae Variant Classification Sherloc (09022015). Collection method: clinical testing. Allele origin: germline.
Comment: Algorithms developed to predict the effect of missense changes on protein structure and function output the following: SIFT: "Not Available"; PolyPhen-2: "Benign"; Align-GVGD: "Not Available". The threonine amino acid residue is found in multiple mammalian species, which suggests that this missense change does not adversely affect protein function. In summary, the available evidence is currently insufficient to determine the role of this variant in disease. Therefore, it has been classified as a Variant of Uncertain Significance. Algorithms developed to predict the effect of sequence changes on RNA splicing suggest that this variant may disrupt the consensus splice site. ClinVar contains an entry for this variant (Variation ID: 824993). This variant has not been reported in the literature in individuals affected with PRSS1-related conditions. The frequency data for this variant in the population databases is considered unreliable, as metrics indicate poor data quality at this position in the gnomAD database. This sequence change replaces alanine, which is neutral and non-polar, with threonine, which is neutral and polar, at codon 152 of the PRSS1 protein (p.Ala152Thr).